The following is an entry in ClinVar:

NM_020911.2(PLXNA4):c.1983-6G>T

Gene: PLXNA4 (plexin A4; minus strand). Cytogenetic location: 7q32.3.
Variant type: single nucleotide variant.
Coding change: c.1983-6G>T on transcript NM_020911.2 (MANE Select); 6 bases into the intron before coding-DNA position 1983, G replaced by T.
Molecular consequence: intron variant.
Genome position (GRCh38, 1-based): chr7:132,223,647, C>A on the plus strand (G>T on the coding strand, the complement: PLXNA4 is on the minus strand). VCF-style: chr7-132223647-C-A. GRCh37 (hg19) VCF-style: chr7-131908406-C-A.
Other names: c.1983-6G>T (NM_001393897.1).
Identifiers: ClinVar variation 3029268 (VCV003029268.2), dbSNP rs771805503, ClinGen allele CA4489925.

ClinVar aggregate classification (germline): Likely benign (0 of 4 stars; one submission).

Conditions:
PLXNA4-related disorder. Also called: PLXNA4-related condition.

Allele frequency attached by ClinVar (database versions not stated): gnomAD exomes below 0.00001; TOPMed below 0.00001; ExAC 0.00001.
gnomAD v4.1: 2 of 1,611,008 alleles (0.00012%); highest among the groups gnomAD compares: Non-Finnish European, 0.00017%; no homozygotes.

Submission:

PreventionGenetics, part of Exact Sciences
Classification: Likely benign for PLXNA4-related condition. Last evaluated: 2023-10-06. Review status: no assertion criteria provided. Collection method: clinical testing. Allele origin: germline.
Comment: This variant is classified as likely benign based on ACMG/AMP sequence variant interpretation guidelines (Richards et al. 2015 PMID: 25741868, with internal and published modifications).